The following is an entry in ClinVar:

NM_004380.3(CREBBP):c.1331-7G>A

Gene: CREBBP (CREB binding lysine acetyltransferase; minus strand). Cytogenetic location: 16p13.3.
Variant type: single nucleotide variant.
Coding change: c.1331-7G>A on transcript NM_004380.3 (MANE Select); 7 bases into the intron before coding-DNA position 1331, G replaced by A.
Molecular consequence: intron variant.
Genome position (GRCh38, 1-based): chr16:3,782,933, C>T on the plus strand (G>A on the coding strand, the complement: CREBBP is on the minus strand). VCF-style: chr16-3782933-C-T. GRCh37 (hg19) VCF-style: chr16-3832934-C-T.
Other names: c.1331-7G>A (NM_004380.2); c.1217-7G>A (NM_001079846.1).
Identifiers: ClinVar variation 2885175 (VCV002885175.4), dbSNP rs1296545908, ClinGen allele CA620460776.

ClinVar aggregate classification (germline): Likely benign. Review status: criteria provided, multiple submitters, no conflicts (2 of 4 stars). 2 submissions from 2 submitters: Likely benign (2). Last evaluated 2025-04-21.

Conditions:
CREBBP-related disorder. Also called: CREBBP-related condition; CREBBP-related disorders.
Rubinstein-Taybi syndrome (RSTS). Identifiers: Orphanet 783, MedGen C0035934, MONDO:0019188.

Allele frequency attached by ClinVar (database versions not stated): TOPMed below 0.00001; gnomAD 0.00002.
gnomAD v4.1: 24 of 1,613,944 alleles (0.0015%); highest among the groups gnomAD compares: South Asian, 0.0066%; no homozygotes.

Submissions (2):

PreventionGenetics, part of Exact Sciences
Classification: Likely benign for CREBBP-related condition. Last evaluated: 2025-04-21. Review status: criteria provided, single submitter. Criteria: ACMG Guidelines, 2015. Collection method: clinical testing. Allele origin: germline.
Comment: This variant is classified as likely benign based on ACMG/AMP sequence variant interpretation guidelines (Richards et al. 2015 PMID: 25741868, with internal and published modifications).

Labcorp Genetics (formerly Invitae), Labcorp
Classification: Likely benign for Rubinstein-Taybi syndrome. Last evaluated: 2025-03-30. Review status: criteria provided, single submitter. Criteria: Invitae Variant Classification Sherloc (09022015). Collection method: clinical testing. Allele origin: germline.